The following is an entry in ClinVar:

NM_000179.3(MSH6):c.3729ATT[3] (p.Leu1244dup)

Gene: MSH6 (mutS homolog 6; plus strand). Cytogenetic location: 2p16.3.
Variant type: Microsatellite.
Coding change: c.3729ATT[3] on transcript NM_000179.3 (MANE Select); three copies in a row of the 3-base unit ATT starting at c.3729; the reference has two copies in a row; one copy, 3 bases duplicated; also written c.3732_3734dup.
Protein change: p.Leu1244dup; duplicates leucine 1244.
Molecular consequence: inframe insertion.
Genome position (GRCh38, 1-based): chr2:47,806,289-47,806,291, ATT duplicated; duplicating any 3 consecutive bases within chr2:47,806,286-47,806,291 gives the same sequence; the position shown is the placement nearest the transcript's 3' end. VCF-style (leftmost placement, unchanged base first): chr2-47806285-C-CATT. GRCh37 (hg19) VCF-style: chr2-48033424-C-CATT.
Other names: c.3339ATT[3], p.Leu1114dup (NM_001281492.2); c.2823ATT[3], p.Leu942dup (NM_001281493.2, NM_001281494.2); c.3732_3734dupATT (NM_000179.2); c.3732_3734dup (NM_000179.3).
Identifiers: ClinVar variation 230584 (VCV000230584.19), dbSNP rs876658650, ClinGen allele CA10578158.

ClinVar aggregate classification (germline): Uncertain significance. Review status: criteria provided, multiple submitters, no conflicts (2 of 4 stars). 4 submissions from 4 submitters: Uncertain significance (4). Last evaluated 2025-04-13.

Conditions:
Endometrial carcinoma. Also called: Endometrial carcinoma, somatic. Identifiers: MedGen C0476089, MONDO:0002447, OMIM 608089, HP:0012114.
Hereditary nonpolyposis colorectal neoplasms. Identifiers: MedGen C0009405, MeSH D003123.
Hereditary cancer-predisposing syndrome. Also called: Neoplastic Syndromes, Hereditary; Tumor predisposition; Hereditary Cancer Syndrome; Hereditary neoplastic syndrome. Identifiers: Orphanet 140162, MedGen C0027672, MeSH D009386, MONDO:0015356.

Submissions (4):

Labcorp Genetics (formerly Invitae), Labcorp
Classification: Uncertain significance for Hereditary nonpolyposis colorectal neoplasms. Last evaluated: 2025-04-13. Review status: criteria provided, single submitter. Criteria: Invitae Variant Classification Sherloc (09022015). Collection method: clinical testing. Allele origin: germline.
Comment: This variant, c.3732_3734dup, results in the insertion of 1 amino acid(s) of the MSH6 protein (p.Leu1244dup), but otherwise preserves the integrity of the reading frame. This variant is not present in population databases (gnomAD no frequency). This variant has not been reported in the literature in individuals affected with MSH6-related conditions. ClinVar contains an entry for this variant (Variation ID: 230584). Experimental studies and prediction algorithms are not available or were not evaluated, and the functional significance of this variant is currently unknown. In summary, the available evidence is currently insufficient to determine the role of this variant in disease. Therefore, it has been classified as a Variant of Uncertain Significance.

Baylor Genetics
Classification: Uncertain significance for Endometrial carcinoma. Last evaluated: 2023-11-12. Review status: criteria provided, single submitter. Criteria: ACMG Guidelines, 2015. Collection method: clinical testing. Allele origin: unknown.

Color Diagnostics, LLC DBA Color Health
Classification: Uncertain significance for Hereditary cancer-predisposing syndrome. Last evaluated: 2019-04-23. Review status: criteria provided, single submitter. Criteria: ACMG Guidelines, 2015. Collection method: clinical testing. Allele origin: germline.

Ambry Genetics
Classification: Uncertain significance for Hereditary cancer-predisposing syndrome. Last evaluated: 2015-03-02. Review status: criteria provided, single submitter. Criteria: Ambry Variant Classification Scheme 2023. Collection method: clinical testing. Allele origin: germline.
Comment: The c.3732_3734dupATT variant (also known as p.L1244DUP) located in coding exon 8 of the MSH6 gene, results from an in-frame ATTATT duplication between nucleotide positions 3732 and 3734. This results in the duplication of an extra residue between codons 1244 and 1245. This variant was not reported in population based cohorts in the following databases: Database of Single Nucleotide Polymorphisms (dbSNP), NHLBI Exome Sequencing Project (ESP), and 1000 Genomes Project. In the ESP, this variant was not observed in 6503 samples (13006 alleles) with coverage at this position. To date, this alteration has been detected with an allele frequency of approximately 0.002% (greater than 42000 alleles tested) in our clinical cohort. Since supporting evidence is limited at this time, the clinical significance of c.3732_3734dupATT remains unclear.